The following is an entry in ClinVar:

NM_144997.7(FLCN):c.955G>A (p.Gly319Arg)

Gene: FLCN (folliculin; minus strand). Cytogenetic location: 17p11.2.
Variant type: single nucleotide variant.
Coding change: c.955G>A on transcript NM_144997.7 (MANE Select); coding-DNA position 955, G replaced by A.
Protein change: p.Gly319Arg; replaces glycine 319 with arginine.
Molecular consequence: missense variant.
Genome position (GRCh38, 1-based): chr17:17,219,126, C>T on the plus strand (G>A on the coding strand, the complement: FLCN is on the minus strand). VCF-style: chr17-17219126-C-T. GRCh37 (hg19) VCF-style: chr17-17122440-C-T.
Other names: c.1009G>A, p.Gly337Arg (NM_001353229.2); c.955G>A, p.Gly319Arg (NM_001353230.2, NM_001353231.2); c.955G>A (NM_144997.5); short protein forms G319R, G337R.
Identifiers: ClinVar variation 1000495 (VCV001000495.7), dbSNP rs753491072, ClinGen allele CA398532928.
Genomic context (GRCh38, chr17:17,219,126, plus strand): 5'-GCCAGCTCCCACAGCCTGAGAGAGAGGAGGACTCTGCCGGGCCCTGGGTCAGCTCCCGCC[C>T]TTCTGTACTCTCTGGCAACACAGGGGCTTTCTCCTCCTCTTCAGCCTCAGAGTTGTCCCA-3'
Protein context (NP_659434.2, residues 309-329): KAPVLPESTE[Gly319Arg]RELTQGPAES

ClinVar aggregate classification (germline): Conflicting classifications of pathogenicity. Review status: criteria provided, conflicting classifications (1 of 4 stars). 3 submissions from 3 submitters: Uncertain significance (2); Likely benign (1). Last evaluated 2026-01-28.

Conditions:
Hereditary cancer-predisposing syndrome. Also called: Tumor predisposition; Hereditary neoplastic syndrome; Hereditary Cancer Syndrome; Neoplastic Syndromes, Hereditary. Identifiers: Orphanet 140162, MedGen C0027672, MeSH D009386, MONDO:0015356.
Birt-Hogg-Dube syndrome 1 (BHD1). Also called: FIBROFOLLICULOMAS WITH TRICHODISCOMAS AND ACROCHORDONS. Identifiers: Orphanet 122, MedGen CN375946, MONDO:0800445, OMIM 135150.
Birt-Hogg-Dube syndrome. Also called: Birt Hogg Dubé syndrome. Identifiers: Orphanet 122, MedGen C0346010, MONDO:0800444.

Submissions (3):

Ambry Genetics
Classification: Uncertain significance for Hereditary cancer-predisposing syndrome. Last evaluated: 2026-01-28. Review status: criteria provided, single submitter. Criteria: Ambry Variant Classification Scheme 2023. Collection method: clinical testing. Allele origin: germline.
Comment: The p.G319R variant (also known as c.955G>A), located in coding exon 6 of the FLCN gene, results from a G to A substitution at nucleotide position 955. The glycine at codon 319 is replaced by arginine, an amino acid with dissimilar properties. This amino acid position is highly conserved in available vertebrate species. In addition, the in silico prediction for this alteration is inconclusive. Based on the available evidence, the clinical significance of this variant remains unclear.

Myriad Genetics, Inc.
Classification: Likely benign for Birt-Hogg-Dube syndrome 1. Last evaluated: 2024-10-23. Review status: criteria provided, single submitter. Criteria: Myriad Autosomal Dominant, Autosomal Recessive and X-Linked Classification Criteria (2023). Collection method: clinical testing. Allele origin: unknown.
Comment: This variant is considered likely benign. This variant has been observed at a population frequency that is significantly greater than expected given the associated disease prevalence and penetrance.

Labcorp Genetics (formerly Invitae), Labcorp
Classification: Uncertain significance for Birt-Hogg-Dube syndrome. Last evaluated: 2024-05-22. Review status: criteria provided, single submitter. Criteria: Invitae Variant Classification Sherloc (09022015). Collection method: clinical testing. Allele origin: germline.
Comment: This sequence change replaces glycine, which is neutral and non-polar, with arginine, which is basic and polar, at codon 319 of the FLCN protein (p.Gly319Arg). This variant is not present in population databases (gnomAD no frequency). This variant has not been reported in the literature in individuals affected with FLCN-related conditions. ClinVar contains an entry for this variant (Variation ID: 1000495). Algorithms developed to predict the effect of missense changes on protein structure and function output the following: SIFT: "Not Available"; PolyPhen-2: "Benign"; Align-GVGD: "Not Available". The arginine amino acid residue is found in multiple mammalian species, which suggests that this missense change does not adversely affect protein function. In summary, the available evidence is currently insufficient to determine the role of this variant in disease. Therefore, it has been classified as a Variant of Uncertain Significance.